The following is an entry in ClinVar:

NM_206933.4(USH2A):c.6203C>T (p.Pro2068Leu)

Gene: USH2A (usherin; minus strand). Cytogenetic location: 1q41.
Variant type: single nucleotide variant.
Coding change: c.6203C>T on transcript NM_206933.4 (MANE Select); coding-DNA position 6203, C replaced by T.
Protein change: p.Pro2068Leu; replaces proline 2068 with leucine.
Molecular consequence: missense variant.
Genome position (GRCh38, 1-based): chr1:216,046,553, G>A on the plus strand (C>T on the coding strand, the complement: USH2A is on the minus strand). VCF-style: chr1-216046553-G-A. GRCh37 (hg19) VCF-style: chr1-216219895-G-A.
Other names: short protein forms P2068L.
Identifiers: ClinVar variation 1958575 (VCV001958575.2), dbSNP rs763976467, ClinGen allele CA344859079.

ClinVar aggregate classification (germline): Uncertain significance (1 of 4 stars; one submission).

Allele frequency attached by ClinVar (database versions not stated): TOPMed below 0.00001.

Submission:

Labcorp Genetics (formerly Invitae), Labcorp
Classification: Uncertain significance. Last evaluated: 2021-08-14. Review status: criteria provided, single submitter. Criteria: Invitae Variant Classification Sherloc (09022015). Collection method: clinical testing. Allele origin: germline.
Comment: This sequence change replaces proline with leucine at codon 2068 of the USH2A protein (p.Pro2068Leu). The proline residue is highly conserved and there is a moderate physicochemical difference between proline and leucine. This variant is not present in population databases (ExAC no frequency). This variant has not been reported in the literature in individuals affected with USH2A-related conditions. Algorithms developed to predict the effect of missense changes on protein structure and function are either unavailable or do not agree on the potential impact of this missense change (SIFT: "Deleterious"; PolyPhen-2: "Possibly Damaging"; Align-GVGD: "Class C0"). In summary, the available evidence is currently insufficient to determine the role of this variant in disease. Therefore, it has been classified as a Variant of Uncertain Significance.